The following is an entry in ClinVar:

NM_001042681.2(RERE):c.1541-17C>G

Gene: RERE (arginine-glutamic acid dipeptide repeats; minus strand). Cytogenetic location: 1p36.23.
Variant type: single nucleotide variant.
Coding change: c.1541-17C>G on transcript NM_001042681.2 (MANE Select); 17 bases into the intron before coding-DNA position 1541, C replaced by G.
Molecular consequence: intron variant.
Genome position (GRCh38, 1-based): chr1:8,364,272, G>C on the plus strand (C>G on the coding strand, the complement: RERE is on the minus strand). VCF-style: chr1-8364272-G-C. GRCh37 (hg19) VCF-style: chr1-8424332-G-C.
Other names: c.1541-17C>G (NM_012102.4); c.-122-17C>G (NM_001042682.2).
Identifiers: ClinVar variation 3022368 (VCV003022368.3), dbSNP rs952469975, ClinGen allele CA17700816.

ClinVar aggregate classification (germline): Uncertain significance (1 of 4 stars; one submission).

Allele frequency attached by ClinVar (database versions not stated): gnomAD exomes 0.00001; TOPMed 0.00002.
gnomAD v4.1: 8 of 1,612,336 alleles (0.0005%); highest among the groups gnomAD compares: Admixed American, 0.0033%; no homozygotes.

Submission:

Labcorp Genetics (formerly Invitae), Labcorp
Classification: Uncertain significance. Last evaluated: 2023-11-21. Review status: criteria provided, single submitter. Criteria: Invitae Variant Classification Sherloc (09022015). Collection method: clinical testing. Allele origin: germline.
Comment: This sequence change falls in intron 15 of the RERE gene. It does not directly change the encoded amino acid sequence of the RERE protein. This variant is present in population databases (no rsID available, gnomAD 0.003%). This variant has not been reported in the literature in individuals affected with RERE-related conditions. Algorithms developed to predict the effect of sequence changes on RNA splicing suggest that this variant may disrupt the consensus splice site. In summary, the available evidence is currently insufficient to determine the role of this variant in disease. Therefore, it has been classified as a Variant of Uncertain Significance.